The following is an entry in ClinVar:

NM_004370.6(COL12A1):c.641G>T (p.Gly214Val)

Gene: COL12A1 (collagen type XII alpha 1 chain; minus strand). Cytogenetic location: 6q13.
Variant type: single nucleotide variant.
Coding change: c.641G>T on transcript NM_004370.6 (MANE Select); coding-DNA position 641, G replaced by T.
Protein change: p.Gly214Val; replaces glycine 214 with valine.
Molecular consequence: missense variant. On other transcripts: intron variant (1).
Genome position (GRCh38, 1-based): chr6:75,189,569, C>A on the plus strand (G>T on the coding strand, the complement: COL12A1 is on the minus strand). VCF-style: chr6-75189569-C-A. GRCh37 (hg19) VCF-style: chr6-75899285-C-A.
Other names: c.73+13151G>T (NM_080645.3); short protein forms G214V.
Identifiers: ClinVar variation 665271 (VCV000665271.11), dbSNP rs1582209053, ClinGen allele CA364728489.
Genomic context (GRCh38, chr6:75,189,569, plus strand): 5'-CATTTCATTTATTTTTAACTTTAAAAAAATCTGTAGAACATACCTGTCATTGTGTTGCCA[C>A]CTTTATATGGAATTTTTTTTATTGCAGCAAGAAGTTCATCCCTTTGGTAGTACTGATTTA-3'
Protein context (NP_004361.3, residues 204-224): LAAIKKIPYK[Gly214Val]GNTMTGDAID

ClinVar aggregate classification (germline): Uncertain significance (1 of 4 stars; one submission).

Conditions:
Ullrich congenital muscular dystrophy 2 (UCMD2). Identifiers: Orphanet 75840, MedGen C4225314, MONDO:0014654, OMIM 616470.
Bethlem myopathy 2 (BTHLM2). Identifiers: Orphanet 536516, Orphanet 610, MedGen C4225313, MONDO:0034022, OMIM 616471.

Allele frequency attached by ClinVar (database versions not stated): TOPMed below 0.00001; gnomAD exomes 0.00001.
gnomAD v4.1: 7 of 1,612,698 alleles (0.00043%); highest among the groups gnomAD compares: Admixed American, 0.0017%; no homozygotes.

Submission:

Labcorp Genetics (formerly Invitae), Labcorp
Classification: Uncertain significance for Bethlem myopathy 2; Ullrich congenital muscular dystrophy 2. Last evaluated: 2022-03-02. Review status: criteria provided, single submitter. Criteria: Invitae Variant Classification Sherloc (09022015). Collection method: clinical testing. Allele origin: germline.
Comment: In summary, the available evidence is currently insufficient to determine the role of this variant in disease. Therefore, it has been classified as a Variant of Uncertain Significance. Algorithms developed to predict the effect of missense changes on protein structure and function are either unavailable or do not agree on the potential impact of this missense change (SIFT: "Deleterious"; PolyPhen-2: "Probably Damaging"; Align-GVGD: "Class C0"). ClinVar contains an entry for this variant (Variation ID: 665271). This variant has not been reported in the literature in individuals affected with COL12A1-related conditions. This variant is not present in population databases (gnomAD no frequency). This sequence change replaces glycine, which is neutral and non-polar, with valine, which is neutral and non-polar, at codon 214 of the COL12A1 protein (p.Gly214Val).